The following is an entry in ClinVar:

ClinVar aggregate classification (germline): Uncertain significance (1 of 4 stars; one submission).

Submission:

Labcorp Genetics (formerly Invitae), Labcorp
Classification: Uncertain significance. Last evaluated: 2021-06-19. Review status: criteria provided, single submitter. Criteria: Invitae Variant Classification Sherloc (09022015). Collection method: clinical testing. Allele origin: germline.
Comment: This variant has not been reported in the literature in individuals with MPLKIP-related conditions. In summary, the available evidence is currently insufficient to determine the role of this variant in disease. Therefore, it has been classified as a Variant of Uncertain Significance. Experimental studies and prediction algorithms are not available or were not evaluated, and the functional significance of this variant is currently unknown. This variant is not present in population databases (ExAC no frequency). This sequence change results in a frameshift in the MPLKIP gene (p.Glu153Argfs*48). While this is not anticipated to result in nonsense mediated decay, it is expected to disrupt the last 27 amino acid(s) of the MPLKIP protein and extend the protein by 20 additional amino acid residues.

NM_138701.4(MPLKIP):c.455dup (p.Glu153fs)

Gene: MPLKIP (M-phase specific PLK1 interacting protein; minus strand). Cytogenetic location: 7p14.1.
Variant type: Duplication.
Coding change: c.455dup on transcript NM_138701.4 (MANE Select); coding-DNA position 455, one base duplicated (T; older notation c.455dupT).
Protein change: p.Glu153fs; shifts the reading frame from glutamic acid 153.
Molecular consequence: frameshift variant.
Genome position (GRCh38, 1-based): chr7:40,133,144, A duplicated on the plus strand (T on the coding strand, the reverse complement: MPLKIP is on the minus strand). VCF-style (leftmost placement, unchanged base first): chr7-40133143-T-TA. GRCh37 (hg19) VCF-style: chr7-40172742-T-TA.
Other names: short protein forms E153fs.
Identifiers: ClinVar variation 1441614 (VCV001441614.6), dbSNP rs2150560032, ClinGen allele CA2573142113.
Genomic context (GRCh38, chr7:40,133,143, plus strand): 5'-GCCTGTGAATGTTTGAGTATTGCTGTATTGTTGGCTTATATCCACTACAGATACTGGTTC[T>TA]AGGCCAGCCCAAGGATCTTCAAGCATTGAAGGCTTGAAATAATTTTCCAACTCATTAGAC-3'